The following is an entry in ClinVar:

NM_006514.4(SCN10A):c.2579T>C (p.Val860Ala)

Gene: SCN10A (sodium voltage-gated channel alpha subunit 10; minus strand). Cytogenetic location: 3p22.2.
Variant type: single nucleotide variant.
Coding change: c.2579T>C on transcript NM_006514.4 (MANE Select); coding-DNA position 2579, T replaced by C.
Protein change: p.Val860Ala; replaces valine 860 with alanine.
Molecular consequence: missense variant.
Genome position (GRCh38, 1-based): chr3:38,728,603, A>G on the plus strand (T>C on the coding strand, the complement: SCN10A is on the minus strand). VCF-style: chr3-38728603-A-G. GRCh37 (hg19) VCF-style: chr3-38770094-A-G.
Other names: c.2579T>C, p.Val860Ala (NM_001293306.2); c.2285T>C, p.Val762Ala (NM_001293307.2); c.2579T>C (NM_006514.2); short protein forms V860A, V762A.
Identifiers: ClinVar variation 645971 (VCV000645971.7), dbSNP rs781073957, ClinGen allele CA2320507.

ClinVar aggregate classification (germline): Uncertain significance. Review status: criteria provided, multiple submitters, no conflicts (2 of 4 stars). 3 submissions from 3 submitters: Uncertain significance (3). Last evaluated 2025-01-04.

Conditions:
Brugada syndrome. Also called: Sudden unexpected nocturnal death syndrome; Sudden unexplained nocturnal death syndrome; Sudden Unexplained Death Syndrome; Sudden Unexplained Nocturnal Death Syndrome (SUNDS). Identifiers: Orphanet 130, MedGen C1142166, MONDO:0015263.
Episodic pain syndrome, familial, 2 (FEPS2). Identifiers: Orphanet 306577, MedGen C3809893, MONDO:0014246, OMIM 615551.
Cardiovascular phenotype. Identifiers: MedGen CN230736.

Allele frequency attached by ClinVar (database versions not stated): TOPMed below 0.00001; gnomAD exomes 0.00001 and 0.00002; ExAC 0.00004.
gnomAD v4.1: 19 of 1,611,664 alleles (0.0012%); highest among the groups gnomAD compares: East Asian, 0.0089%; no homozygotes.

Submissions (3):

Ambry Genetics
Classification: Uncertain significance for Cardiovascular phenotype. Last evaluated: 2025-01-04. Review status: criteria provided, single submitter. Criteria: Ambry Variant Classification Scheme 2023. Collection method: clinical testing. Allele origin: germline.
Comment: The p.V860A variant (also known as c.2579T>C), located in coding exon 15 of the SCN10A gene, results from a T to C substitution at nucleotide position 2579. The valine at codon 860 is replaced by alanine, an amino acid with similar properties. This amino acid position is conserved. In addition, the in silico prediction for this alteration is inconclusive. Based on the available evidence, the clinical significance of this variant remains unclear.

Labcorp Genetics (formerly Invitae), Labcorp
Classification: Uncertain significance for Brugada syndrome. Last evaluated: 2024-10-24. Review status: criteria provided, single submitter. Criteria: Invitae Variant Classification Sherloc (09022015). Collection method: clinical testing. Allele origin: germline.
Comment: This sequence change replaces valine, which is neutral and non-polar, with alanine, which is neutral and non-polar, at codon 860 of the SCN10A protein (p.Val860Ala). This variant is present in population databases (rs781073957, gnomAD 0.01%). This variant has not been reported in the literature in individuals affected with SCN10A-related conditions. ClinVar contains an entry for this variant (Variation ID: 645971). Invitae Evidence Modeling of protein sequence and biophysical properties (such as structural, functional, and spatial information, amino acid conservation, physicochemical variation, residue mobility, and thermodynamic stability) indicates that this missense variant is not expected to disrupt SCN10A protein function with a negative predictive value of 80%. In summary, the available evidence is currently insufficient to determine the role of this variant in disease. Therefore, it has been classified as a Variant of Uncertain Significance.

Fulgent Genetics
Classification: Uncertain significance for Episodic pain syndrome, familial, 2. Last evaluated: 2021-07-05. Review status: criteria provided, single submitter. Criteria: ACMG Guidelines, 2015. Collection method: clinical testing. Allele origin: unknown.